The following is an entry in ClinVar:

ClinVar aggregate classification (germline): Pathogenic (1 of 4 stars; one submission).

Submission:

CeGaT Center for Human Genetics Tuebingen
Classification: Pathogenic. Last evaluated: 2026-03-01. Review status: criteria provided, single submitter. Criteria: CeGaT Center For Human Genetics Tuebingen Variant Classification Criteria Version 2. Collection method: clinical testing. Allele origin: germline. Affected: yes. Observed: 1 variant allele.
Comment: PKD1: PVS1, PM2

NM_001009944.3(PKD1):c.5206dup (p.Val1736fs)

Gene: PKD1 (polycystin 1, transient receptor potential channel interacting; minus strand). Cytogenetic location: 16p13.3.
Variant type: Duplication.
Coding change: c.5206dup on transcript NM_001009944.3 (MANE Select); coding-DNA position 5206, one base duplicated (G; older notation c.5206dupG).
Protein change: p.Val1736fs; shifts the reading frame from valine 1736.
Molecular consequence: frameshift variant.
Genome position (GRCh38, 1-based): chr16:2,109,961, C duplicated on the plus strand (G on the coding strand, the reverse complement: PKD1 is on the minus strand). VCF-style (leftmost placement, unchanged base first): chr16-2109960-A-AC. GRCh37 (hg19) VCF-style: chr16-2159961-A-AC.
Other names: c.5206dup, p.Val1736fs (NM_000296.4); short protein forms V1736fs.
Identifiers: ClinVar variation 4281571 (VCV004281571.7).